The following is an entry in ClinVar:

NM_001385012.1(NBEA):c.4555-4A>G

Gene: NBEA (neurobeachin; plus strand). Cytogenetic location: 13q13.3.
Variant type: single nucleotide variant.
Coding change: c.4555-4A>G on transcript NM_001385012.1 (MANE Select); 4 bases into the intron before coding-DNA position 4555, A replaced by G.
Molecular consequence: intron variant.
Genome position (GRCh38, 1-based): chr13:35,176,992, A>G. VCF-style: chr13-35176992-A-G. GRCh37 (hg19) VCF-style: chr13-35751129-A-G.
Other names: c.4555-4A>G (NM_015678.5); c.4546-4A>G (NM_001379245.1).
Identifiers: ClinVar variation 3034410 (VCV003034410.3), dbSNP rs965644226, ClinGen allele CA248071416.

ClinVar aggregate classification (germline): Likely benign. Review status: criteria provided, single submitter (1 of 4 stars). 2 submissions from 2 submitters: Likely benign (1). 1 of the submissions does not count toward it. Last evaluated 2023-09-01.

Conditions:
NBEA-related disorder. Also called: NBEA-related condition.

Allele frequency attached by ClinVar (database versions not stated): gnomAD exomes below 0.00001; gnomAD 0.00001.
gnomAD v4.1: 4 of 1,549,668 alleles (0.00026%); highest among the groups gnomAD compares: Admixed American, 0.0036%; no homozygotes.

Submissions (2):

Blueprint Genetics
Classification: Likely benign. Last evaluated: 2023-09-01. Review status: criteria provided, single submitter. Criteria: ACMG Guidelines, 2015. Collection method: clinical testing. Allele origin: germline.

PreventionGenetics, part of Exact Sciences
Classification: Likely benign for NBEA-related condition. Last evaluated: 2019-02-20. Review status: no assertion criteria provided. Collection method: clinical testing. Allele origin: germline. Not counted in ClinVar's aggregate classification.
Comment: This variant is classified as likely benign based on ACMG/AMP sequence variant interpretation guidelines (Richards et al. 2015 PMID: 25741868, with internal and published modifications).